The following is an entry in ClinVar:

NM_016373.4(WWOX):c.1056+258365G>A

Gene: WWOX (WW domain containing oxidoreductase; plus strand). Cytogenetic location: 16q23.1.
Variant type: single nucleotide variant.
Coding change: c.1056+258365G>A on transcript NM_016373.4 (MANE Select); 258365 bases into the intron after coding-DNA position 1056, G replaced by A.
Molecular consequence: intron variant.
Genome position (GRCh38, 1-based): chr16:78,691,117, G>A. VCF-style: chr16-78691117-G-A. GRCh37 (hg19) VCF-style: chr16-78725014-G-A.
Other names: c.717+258365G>A (NM_001291997.2).
Identifiers: ClinVar variation 3255307 (VCV003255307.2), dbSNP rs6564577.

ClinVar aggregate classification (germline): Benign (1 of 4 stars; one submission).

Allele frequency attached by ClinVar (database versions not stated): TOPMed 0.26271; 1000 Genomes Project 0.27276; gnomAD 0.27533.
gnomAD v4.1: 167,743 of 633,600 alleles (26%); highest among the groups gnomAD compares: South Asian, 38%; 23,993 homozygotes.

Submission:

Unidad de Genómica Garrahan, Hospital de Pediatría Garrahan
Classification: Benign. Last evaluated: 2024-07-15. Review status: criteria provided, single submitter. Criteria: ACMG Guidelines, 2015. Collection method: clinical testing. Allele origin: germline. Affected: no. Observed: 23 variant alleles.
Comment: This variant is classified as Benign based on local population frequency. This variant was detected in 25% of patients studied in a panel designed for Epileptic and Developmental Encephalopathy and Progressive Myoclonus Epilepsy. Number of patients: 23. Only high quality variants are reported.